The following is an entry in ClinVar:

ClinVar aggregate classification (germline): Uncertain significance. Review status: criteria provided, multiple submitters, no conflicts (2 of 4 stars). 3 submissions from 3 submitters: Uncertain significance (3). Last evaluated 2024-06-03.

Conditions:
Microvascular complications of diabetes, susceptibility to, 3. Identifiers: MedGen C2675470, MONDO:0012963, OMIM 612624.
Hemorrhage, intracerebral, susceptibility to (ICH). Also called: Stroke, hemorrhagic, susceptibility to. Identifiers: MedGen C3281105, MONDO:0100533, OMIM 614519.
Renal tubular dysgenesis of genetic origin. Also called: PRIMITIVE RENAL TUBULE SYNDROME. Identifiers: Orphanet 97369, MedGen C5681536, MONDO:0009970, OMIM 267430.
Renal tubular dysgenesis. Also called: Renotubular dysgenesis. Identifiers: Orphanet 3033, MedGen C0266313, MONDO:0017609, HP:0008660.

Allele frequency attached by ClinVar (database versions not stated): gnomAD 0.00001; gnomAD exomes 0.00001 and 0.00006; TOPMed 0.00002; ExAC 0.00009.
gnomAD v4.1: 10 of 1,613,358 alleles (0.00062%); highest among the groups gnomAD compares: East Asian, 0.02%; no homozygotes.

Submissions (3):

Labcorp Genetics (formerly Invitae), Labcorp
Classification: Uncertain significance. Last evaluated: 2024-06-03. Review status: criteria provided, single submitter. Criteria: Invitae Variant Classification Sherloc (09022015). Collection method: clinical testing. Allele origin: germline.
Comment: This sequence change replaces arginine, which is basic and polar, with serine, which is neutral and polar, at codon 149 of the ACE protein (p.Arg149Ser). This variant is present in population databases (rs766945182, gnomAD 0.08%). This variant has not been reported in the literature in individuals affected with ACE-related conditions. ClinVar contains an entry for this variant (Variation ID: 892184). Advanced modeling of protein sequence and biophysical properties (such as structural, functional, and spatial information, amino acid conservation, physicochemical variation, residue mobility, and thermodynamic stability) performed at Invitae indicates that this missense variant is not expected to disrupt ACE protein function with a negative predictive value of 80%. In summary, the available evidence is currently insufficient to determine the role of this variant in disease. Therefore, it has been classified as a Variant of Uncertain Significance.

Fulgent Genetics
Classification: Uncertain significance for Renal tubular dysgenesis of genetic origin; Microvascular complications of diabetes, susceptibility to, 3; Hemorrhage, intracerebral, susceptibility to. Last evaluated: 2022-01-04. Review status: criteria provided, single submitter. Criteria: ACMG Guidelines, 2015. Collection method: clinical testing. Allele origin: unknown.

Illumina Laboratory Services, Illumina
Classification: Uncertain significance for Renal tubular dysgenesis of genetic origin. Last evaluated: 2018-01-13. Review status: criteria provided, single submitter. Criteria: ICSL Variant Classification Criteria 13 December 2019. Collection method: clinical testing. Allele origin: germline.

NM_000789.4(ACE):c.447G>C (p.Arg149Ser)

Gene: ACE (angiotensin I converting enzyme; plus strand). Cytogenetic location: 17q23.3.
Variant type: single nucleotide variant.
Coding change: c.447G>C on transcript NM_000789.4 (MANE Select); coding-DNA position 447, G replaced by C.
Protein change: p.Arg149Ser; replaces arginine 149 with serine.
Molecular consequence: missense variant.
Genome position (GRCh38, 1-based): chr17:63,479,036, G>C. VCF-style: chr17-63479036-G-C. GRCh37 (hg19) VCF-style: chr17-61556397-G-C.
Other names: short protein forms R149S.
Identifiers: ClinVar variation 892184 (VCV000892184.19), dbSNP rs766945182, ClinGen allele CA8699075.